The following is an entry in ClinVar:

ClinVar aggregate classification (germline): Uncertain significance (1 of 4 stars; one submission).

Conditions:
Idiopathic generalized epilepsy. Also called: EIG; Generalised epilepsy. Identifiers: MedGen C0270850, MONDO:0005579, OMIM 600669.

gnomAD v4.1: 8 of 1,609,556 alleles (0.0005%); highest among the groups gnomAD compares: Middle Eastern, 0.017%; no homozygotes.

Submission:

Labcorp Genetics (formerly Invitae), Labcorp
Classification: Uncertain significance for Idiopathic generalized epilepsy. Last evaluated: 2024-03-18. Review status: criteria provided, single submitter. Criteria: Invitae Variant Classification Sherloc (09022015). Collection method: clinical testing. Allele origin: germline.
Comment: This sequence change replaces arginine, which is basic and polar, with leucine, which is neutral and non-polar, at codon 382 of the GABRD protein (p.Arg382Leu). This variant is present in population databases (rs771493470, gnomAD 0.01%). This variant has not been reported in the literature in individuals affected with GABRD-related conditions. An algorithm developed to predict the effect of missense changes on protein structure and function (PolyPhen-2) suggests that this variant is likely to be tolerated. In summary, the available evidence is currently insufficient to determine the role of this variant in disease. Therefore, it has been classified as a Variant of Uncertain Significance.

NM_000815.5(GABRD):c.1145G>T (p.Arg382Leu)

Gene: GABRD (gamma-aminobutyric acid type A receptor subunit delta; plus strand). Cytogenetic location: 1p36.33.
Variant type: single nucleotide variant.
Coding change: c.1145G>T on transcript NM_000815.5 (MANE Select); coding-DNA position 1145, G replaced by T.
Protein change: p.Arg382Leu; replaces arginine 382 with leucine.
Molecular consequence: missense variant.
Genome position (GRCh38, 1-based): chr1:2,030,068, G>T. VCF-style: chr1-2030068-G-T. GRCh37 (hg19) VCF-style: chr1-1961507-G-T.
Other names: short protein forms R382L.
Identifiers: ClinVar variation 3628193 (VCV003628193.2).